The following is an entry in ClinVar:

NC_000022.11:g.40345694G>A

Gene: ADSL (adenylosuccinate lyase; plus strand). Cytogenetic location: 22q13.1.
Variant type: single nucleotide variant.
Genome position: GRCh38 VCF-style: chr22-40345694-G-A. GRCh37 (hg19) VCF-style: chr22-40741698-G-A.
Identifiers: ClinVar variation 1511083 (VCV001511083.6), dbSNP rs2146608187, ClinGen allele CA2573158332.
Genomic context (GRCh38, chr22:40,345,694, plus strand): 5'-TTCTTTTATTTTTTGGAGACGGAGTCTCGCTCTGTCGCCCAGGCTGGAGTGCAGTGGCGC[G>A]ATCTTGGCTCACTGCAACCTCCGCCTTCCGGGTTCAAGAAATTCTCCTGTCTCAGCCTCA-3'

ClinVar aggregate classification (germline): Uncertain significance (1 of 4 stars; one submission).

Conditions:
Adenylosuccinate lyase deficiency (ADSLD). Also called: ADSL DEFICIENCY. Identifiers: Orphanet 46, MedGen C0268126, MONDO:0007068, OMIM 103050.

Submission:

Labcorp Genetics (formerly Invitae), Labcorp
Classification: Uncertain significance for Adenylosuccinate lyase deficiency. Last evaluated: 2021-02-17. Review status: criteria provided, single submitter. Criteria: Invitae Variant Classification Sherloc (09022015). Collection method: clinical testing. Allele origin: germline.
Comment: This variant has not been reported in the literature in individuals with ADSL-related conditions. The frequency data for this variant in the population databases is considered unreliable, as metrics indicate insufficient coverage at this position in the ExAC database. This variant occurs in a non-coding region of the ADSL gene. It does not change the encoded amino acid sequence of the ADSL protein. Experimental studies and prediction algorithms are not available or were not evaluated, and the functional significance of this variant is currently unknown. In summary, the available evidence is currently insufficient to determine the role of this variant in disease. Therefore, it has been classified as a Variant of Uncertain Significance.